The following is an entry in ClinVar:

ClinVar aggregate classification (germline): Conflicting classifications of pathogenicity. Review status: criteria provided, conflicting classifications (1 of 4 stars). 2 submissions from 2 submitters: Uncertain significance (1); Likely benign (1). Last evaluated 2025-08-22.

Conditions:
Cardiovascular phenotype. Identifiers: MedGen CN230736.
Catecholaminergic polymorphic ventricular tachycardia 1. Also called: VENTRICULAR TACHYCARDIA, CATECHOLAMINERGIC POLYMORPHIC, 1, WITH OR WITHOUT ATRIAL DYSFUNCTION AND/OR DILATED CARDIOMYOPATHY; VENTRICULAR TACHYCARDIA, STRESS-INDUCED POLYMORPHIC 1; RYR2-Related Catecholaminergic Polymorphic Ventricular Tachycardia. Identifiers: Orphanet 3286, MedGen C1631597, MONDO:0011484, OMIM 604772.

Allele frequency attached by ClinVar (database versions not stated): TOPMed below 0.00001; gnomAD 0.00001.

Submissions (2):

Ambry Genetics
Classification: Uncertain significance for Cardiovascular phenotype. Last evaluated: 2025-08-22. Review status: criteria provided, single submitter. Criteria: Ambry Variant Classification Scheme 2023. Collection method: clinical testing. Allele origin: germline.
Comment: The p.E2790D variant (also known as c.8370A>T), located in coding exon 56 of the RYR2 gene, results from an A to T substitution at nucleotide position 8370. The glutamic acid at codon 2790 is replaced by aspartic acid, an amino acid with highly similar properties. This amino acid position is well conserved in available vertebrate species. In addition, this alteration is predicted to be tolerated by in silico analysis. Based on the available evidence, the clinical significance of this variant remains unclear.

Labcorp Genetics (formerly Invitae), Labcorp
Classification: Likely benign for Catecholaminergic polymorphic ventricular tachycardia 1. Last evaluated: 2025-05-14. Review status: criteria provided, single submitter. Criteria: Invitae Variant Classification Sherloc (09022015). Collection method: clinical testing. Allele origin: germline.

NM_001035.3(RYR2):c.8370A>T (p.Glu2790Asp)

Gene: RYR2 (ryanodine receptor 2; plus strand). Cytogenetic location: 1q43.
Variant type: single nucleotide variant.
Coding change: c.8370A>T on transcript NM_001035.3 (MANE Select); coding-DNA position 8370, A replaced by T.
Protein change: p.Glu2790Asp; replaces glutamic acid 2790 with aspartic acid.
Molecular consequence: missense variant.
Genome position (GRCh38, 1-based): chr1:237,660,881, A>T. VCF-style: chr1-237660881-A-T. GRCh37 (hg19) VCF-style: chr1-237824181-A-T.
Other names: short protein forms E2790D.
Identifiers: ClinVar variation 1763117 (VCV001763117.6), dbSNP rs1472953017, ClinGen allele CA345401885.
Genomic context (GRCh38, chr1:237,660,881, plus strand): 5'-TTATCGCTGGCCAATCAAAGAATCTTTAAAAACTATGCTGGCTTGGGGCTGGAGAATTGA[A>T]AGAACTCGGGAGGGAGACAGCATGGCCCTTTACAACCGGACTCGTCGTATTTCTCAGACA-3'
Protein context (NP_001026.2, residues 2780-2800): KTMLAWGWRI[Glu2790Asp]RTREGDSMAL